The following is an entry in ClinVar:

ClinVar aggregate classification (germline): Uncertain significance (1 of 4 stars; one submission).

Submission:

Labcorp Genetics (formerly Invitae), Labcorp
Classification: Uncertain significance. Last evaluated: 2021-09-12. Review status: criteria provided, single submitter. Criteria: Invitae Variant Classification Sherloc (09022015). Collection method: clinical testing. Allele origin: germline.
Comment: This sequence change replaces phenylalanine with leucine at codon 69 of the LRRC8A protein (p.Phe69Leu). The phenylalanine residue is highly conserved and there is a small physicochemical difference between phenylalanine and leucine. This variant is not present in population databases (ExAC no frequency). This variant has not been reported in the literature in individuals affected with LRRC8A-related conditions. Algorithms developed to predict the effect of missense changes on protein structure and function (SIFT, PolyPhen-2, Align-GVGD) all suggest that this variant is likely to be tolerated. In summary, the available evidence is currently insufficient to determine the role of this variant in disease. Therefore, it has been classified as a Variant of Uncertain Significance.

NM_019594.4(LRRC8A):c.207C>A (p.Phe69Leu)

Gene: LRRC8A (leucine rich repeat containing 8 VRAC subunit A; plus strand). Cytogenetic location: 9q34.11.
Variant type: single nucleotide variant.
Coding change: c.207C>A on transcript NM_019594.4 (MANE Select); coding-DNA position 207, C replaced by A.
Protein change: p.Phe69Leu; replaces phenylalanine 69 with leucine.
Molecular consequence: missense variant.
Genome position (GRCh38, 1-based): chr9:128,907,371, C>A. VCF-style: chr9-128907371-C-A. GRCh37 (hg19) VCF-style: chr9-131669650-C-A.
Other names: c.207C>A, p.Phe69Leu (NM_001127244.2, NM_001127245.2); short protein forms F69L.
Identifiers: ClinVar variation 1518695 (VCV001518695.6), dbSNP rs2131016950, ClinGen allele CA375072834.